The following is an entry in ClinVar:

NM_000388.4(CASR):c.2829G>A (p.Gln943=)

Gene: CASR (calcium sensing receptor; plus strand). Cytogenetic location: 3q21.1.
Variant type: single nucleotide variant.
Coding change: c.2829G>A on transcript NM_000388.4 (MANE Select); coding-DNA position 2829, G replaced by A.
Protein change: p.Gln943=; no amino-acid change (glutamine 943 retained).
Molecular consequence: synonymous variant.
Genome position (GRCh38, 1-based): chr3:122,284,783, G>A. VCF-style: chr3-122284783-G-A. GRCh37 (hg19) VCF-style: chr3-122003630-G-A.
Other names: c.2859G>A, p.Gln953= (NM_001178065.2).
Identifiers: ClinVar variation 706162 (VCV000706162.14), dbSNP rs764614440, ClinGen allele CA2569873.

ClinVar aggregate classification (germline): Conflicting classifications of pathogenicity. Review status: criteria provided, conflicting classifications (1 of 4 stars). 3 submissions from 3 submitters: Uncertain significance (1); Likely benign (2). Last evaluated 2024-04-05.

Conditions:
Autosomal dominant hypocalcemia 1 (HYPOC1). Also called: HYPOCALCEMIA, FAMILIAL. Identifiers: MedGen C3715128, MONDO:0011013, OMIM 601198.
Familial hypocalciuric hypercalcemia (FHH). Also called: Familial benign hypercalcemia. Identifiers: Orphanet 405, MedGen C1809471, MONDO:0018458.
Nephrolithiasis/nephrocalcinosis. Identifiers: MedGen CN580796.

Allele frequency attached by ClinVar (database versions not stated): gnomAD exomes below 0.00001 and 0.00001; TOPMed below 0.00001; gnomAD 0.00001; ExAC 0.00002.
gnomAD v4.1: 8 of 1,614,074 alleles (0.0005%); highest among the groups gnomAD compares: Non-Finnish European, 0.00068%; no homozygotes.

Submissions (3):

Labcorp Genetics (formerly Invitae), Labcorp
Classification: Likely benign for Familial hypocalciuric hypercalcemia; Autosomal dominant hypocalcemia 1. Last evaluated: 2024-04-05. Review status: criteria provided, single submitter. Criteria: Invitae Variant Classification Sherloc (09022015). Collection method: clinical testing. Allele origin: germline.

Ambry Genetics
Classification: Likely benign for Nephrolithiasis/nephrocalcinosis. Last evaluated: 2022-08-03. Review status: criteria provided, single submitter. Criteria: Ambry Variant Classification Scheme 2023. Collection method: clinical testing. Allele origin: germline.

GeneDx
Classification: Uncertain significance. Last evaluated: 2022-04-04. Review status: criteria provided, single submitter. Criteria: GeneDx Variant Classification Process June 2021. Collection method: clinical testing. Allele origin: germline. Affected: yes.
Comment: Not observed at significant frequency in large population cohorts (gnomAD); In silico analysis supports that this variant does not alter splicing; Has not been previously published as pathogenic or benign to our knowledge